The following is an entry in ClinVar:

ClinVar aggregate classification (germline): Likely benign. Review status: criteria provided, multiple submitters, no conflicts (2 of 4 stars). 6 submissions from 6 submitters: Likely benign (6). Last evaluated 2025-10-30.

Conditions:
BRCA1-related cancer predisposition. Identifiers: MedGen CN377757, MONDO:0700268.
Hereditary cancer-predisposing syndrome. Also called: Hereditary neoplastic syndrome; Hereditary Cancer Syndrome; Neoplastic Syndromes, Hereditary; Tumor predisposition. Identifiers: Orphanet 140162, MedGen C0027672, MeSH D009386, MONDO:0015356.
Hereditary breast ovarian cancer syndrome. Also called: Hereditary breast and ovarian cancer syndrome (HBOC); Hereditary breast and ovarian cancer syndrome; Hereditary breast and ovarian cancer; BRCA1- and BRCA2-Associated Hereditary Breast and Ovarian Cancer; Breast and ovarian cancer; Hereditary breast and/or ovarian cancer syndrome. Identifiers: Orphanet 145, MedGen C0677776, MeSH D061325, MONDO:0003582. Disease mechanism: loss of function.

gnomAD v4.1: 2 of 1,612,560 alleles (0.00012%); highest among the groups gnomAD compares: Non-Finnish European, 0.00017%; no homozygotes.

Submissions (6):

Women's Health and Genetics/Laboratory Corporation of America, LabCorp
Classification: Likely benign. Last evaluated: 2025-10-30. Review status: criteria provided, single submitter. Criteria: LabCorp Variant Classification Summary - May 2015. Collection method: clinical testing. Allele origin: germline.

Labcorp Genetics (formerly Invitae), Labcorp
Classification: Likely benign for Hereditary breast ovarian cancer syndrome. Last evaluated: 2025-01-06. Review status: criteria provided, single submitter. Criteria: Invitae Variant Classification Sherloc (09022015). Collection method: clinical testing. Allele origin: germline.

All of Us Research Program, National Institutes of Health
Classification: Likely benign for BRCA1-related cancer predisposition. Last evaluated: 2024-04-16. Review status: criteria provided, single submitter. Criteria: ACMG Guidelines, 2015. Collection method: clinical testing. Allele origin: germline. Inheritance: Autosomal dominant inheritance. Observed: 2 variant alleles, 2 heterozygotes.
Comment: This study involves interpretation of variants in research participants for the purpose of population health screening. Participant phenotype was not available at the time of variant classification. Additional details can be found in publication PMID: 35346344, PMCID: PMC8962531

Color Diagnostics, LLC DBA Color Health
Classification: Likely benign for Hereditary cancer-predisposing syndrome. Last evaluated: 2019-09-09. Review status: criteria provided, single submitter. Criteria: ACMG Guidelines, 2015. Collection method: clinical testing. Allele origin: germline.

GeneDx
Classification: Likely benign. Last evaluated: 2016-09-16. Review status: criteria provided, single submitter. Criteria: GeneDx Variant Classification (06012015). Collection method: clinical testing. Allele origin: germline. Affected: yes.
Comment: This variant is considered likely benign or benign based on one or more of the following criteria: it is a conservative change, it occurs at a poorly conserved position in the protein, it is predicted to be benign by multiple in silico algorithms, and/or has population frequency not consistent with disease.

Ambry Genetics
Classification: Likely benign for Hereditary cancer-predisposing syndrome. Last evaluated: 2016-01-27. Review status: criteria provided, single submitter. Criteria: Ambry Variant Classification Scheme 2023. Collection method: clinical testing. Allele origin: germline.

Literature cited by the submitters: PubMed 19818148 (cited by Women's Health and Genetics/Laboratory Corporation of America, LabCorp).

NM_007294.4(BRCA1):c.4155A>G (p.Leu1385=)

Gene: BRCA1 (BRCA1 DNA repair associated; minus strand). Cytogenetic location: 17q21.31.
Variant type: single nucleotide variant.
Coding change: c.4155A>G on transcript NM_007294.4 (MANE Select); coding-DNA position 4155, A replaced by G.
Protein change: p.Leu1385=; no amino-acid change (leucine 1385 retained).
Molecular consequence: synonymous variant.
Genome position (GRCh38, 1-based): chr17:43,090,974, T>C on the plus strand (A>G on the coding strand, the complement: BRCA1 is on the minus strand). VCF-style: chr17-43090974-T-C. GRCh37 (hg19) VCF-style: chr17-41242991-T-C.
Other names: c.636A>G, p.Leu212= (NM_001408492.1, NM_001408513.1, NM_001408514.1 and 9 more transcripts); c.633A>G, p.Leu211= (NM_001408493.1, NM_001408490.1, NM_001408491.1); c.606A>G, p.Leu202= (NM_001408494.1); c.603A>G, p.Leu201= (NM_001408495.1); c.582A>G, p.Leu194= (NM_001408496.1, NM_001408497.1, NM_001408498.1 and 3 more transcripts); c.579A>G, p.Leu193= (NM_001408505.1, NM_001408503.1, NM_001408504.1); c.519A>G, p.Leu173= (NM_001408506.1, NM_001408507.1); c.513A>G, p.Leu171= (NM_001408502.1); and 41 more.
Identifiers: ClinVar variation 377571 (VCV000377571.20), dbSNP rs1057520245, ClinGen allele CA16607261.